The following is an entry in ClinVar:

NM_000206.3(IL2RG):c.302_384dup (p.Val129fs)

Gene: IL2RG (interleukin 2 receptor subunit gamma; minus strand). Cytogenetic location: Xq13.1.
Variant type: Duplication.
Coding change: c.302_384dup on transcript NM_000206.3 (MANE Select); coding-DNA positions 302 to 384, 83 bases duplicated.
Protein change: p.Val129fs; shifts the reading frame from valine 129.
Molecular consequence: frameshift variant.
Genome position (GRCh38, 1-based): chrX:71,110,574-71,110,656, 83 bases duplicated. GRCh37 (hg19): chrX:70,330,424-70,330,506.
Other names: short protein forms V129fs.
Identifiers: ClinVar variation 1069444 (VCV001069444.7), dbSNP rs2147750252, ClinGen allele CA2499226825.

ClinVar aggregate classification (germline): Pathogenic (1 of 4 stars; one submission).

Conditions:
X-linked severe combined immunodeficiency (SCIDX1). Also called: X-Linked Combined Immunodeficiency Diseases; IMMUNODEFICIENCY 4; SCID, X-LINKED; SEVERE COMBINED IMMUNODEFICIENCY, X-LINKED, T CELL-NEGATIVE, B CELL-POSITIVE, NK CELL-NEGATIVE; T-B+ severe combined immunodeficiency due to gamma chain deficiency. Identifiers: Orphanet 276, MedGen C6022468, MONDO:0010315, OMIM 300400. Disease mechanism: loss of function.

Submission:

Labcorp Genetics (formerly Invitae), Labcorp
Classification: Pathogenic for X-linked severe combined immunodeficiency. Last evaluated: 2020-07-09. Review status: criteria provided, single submitter. Criteria: Invitae Variant Classification Sherloc (09022015). Collection method: clinical testing. Allele origin: germline.
Comment: For these reasons, this variant has been classified as Pathogenic. Loss-of-function variants in IL2RG are known to be pathogenic (PMID: 9058718, 10794430). Algorithms developed to predict the effect of sequence changes on RNA splicing suggest that this variant may create or strengthen a splice site, but this prediction has not been confirmed by published transcriptional studies. This variant has not been reported in the literature in individuals with IL2RG-related conditions. This variant is not present in population databases (ExAC no frequency). This sequence change creates a premature translational stop signal (p.Val129Serfs*46) in the IL2RG gene. It is expected to result in an absent or disrupted protein product.

Literature cited by the submitters: PubMed 9058718; PubMed 10794430.